The following is an entry in ClinVar:

ClinVar aggregate classification (germline): Uncertain significance (1 of 4 stars; one submission).

Conditions:
Desbuquois dysplasia 1 (DBQD1). Also called: MICROMELIC DWARFISM WITH VERTEBRAL AND METAPHYSEAL ABNORMALITIES AND ADVANCED CARPOTARSAL OSSIFICATION; DESBUQUOIS DYSPLASIA 1, KIM VARIANT. Identifiers: Orphanet 1425, MedGen C4012146, MONDO:0009629, OMIM 251450.

Allele frequency attached by ClinVar (database versions not stated): gnomAD exomes 0.00001.
gnomAD v4.1: 3 of 1,583,572 alleles (0.00019%); highest among the groups gnomAD compares: Admixed American, 0.0051%; no homozygotes.

Submission:

Labcorp Genetics (formerly Invitae), Labcorp
Classification: Uncertain significance for Desbuquois dysplasia 1. Last evaluated: 2023-12-19. Review status: criteria provided, single submitter. Criteria: Invitae Variant Classification Sherloc (09022015). Collection method: clinical testing. Allele origin: germline.
Comment: This sequence change replaces glutamine, which is neutral and polar, with histidine, which is basic and polar, at codon 873 of the XYLT1 protein (p.Gln873His). This variant is present in population databases (no rsID available, gnomAD 0.006%). This variant has not been reported in the literature in individuals affected with XYLT1-related conditions. ClinVar contains an entry for this variant (Variation ID: 1481544). Advanced modeling of protein sequence and biophysical properties (such as structural, functional, and spatial information, amino acid conservation, physicochemical variation, residue mobility, and thermodynamic stability) performed at Invitae indicates that this missense variant is not expected to disrupt XYLT1 protein function with a negative predictive value of 80%. In summary, the available evidence is currently insufficient to determine the role of this variant in disease. Therefore, it has been classified as a Variant of Uncertain Significance.

NM_022166.4(XYLT1):c.2619G>C (p.Gln873His)

Gene: XYLT1 (xylosyltransferase 1; minus strand). Cytogenetic location: 16p12.3.
Variant type: single nucleotide variant.
Coding change: c.2619G>C on transcript NM_022166.4 (MANE Select); coding-DNA position 2619, G replaced by C.
Protein change: p.Gln873His; replaces glutamine 873 with histidine.
Molecular consequence: missense variant.
Genome position (GRCh38, 1-based): chr16:17,108,956, C>G on the plus strand (G>C on the coding strand, the complement: XYLT1 is on the minus strand). VCF-style: chr16-17108956-C-G. GRCh37 (hg19) VCF-style: chr16-17202813-C-G.
Other names: short protein forms Q873H.
Identifiers: ClinVar variation 1481544 (VCV001481544.8), dbSNP rs1378456649, ClinGen allele CA395217896.